The following is an entry in ClinVar:

NM_024989.4(PGAP1):c.2051T>A (p.Leu684Ter)

Gene: PGAP1 (post-GPI attachment to proteins inositol deacylase 1; minus strand). Cytogenetic location: 2q33.1.
Variant type: single nucleotide variant.
Coding change: c.2051T>A on transcript NM_024989.4 (MANE Select); coding-DNA position 2051, T replaced by A.
Protein change: p.Leu684Ter; replaces leucine 684 with a stop codon.
Molecular consequence: nonsense.
Genome position (GRCh38, 1-based): chr2:196,847,102, A>T on the plus strand (T>A on the coding strand, the complement: PGAP1 is on the minus strand). VCF-style: chr2-196847102-A-T. GRCh37 (hg19) VCF-style: chr2-197711826-A-T.
Other names: c.1529T>A, p.Leu510Ter (NM_001321099.2); c.884T>A, p.Leu295Ter (NM_001321100.2); short protein forms L295*, L510*, L684*.
Identifiers: ClinVar variation 2578223 (VCV002578223.1), dbSNP rs1176975147, ClinGen allele CA350186858.
Genomic context (GRCh38, chr2:196,847,102, plus strand): 5'-GATGCAGAAGACAGTAGGCCACTCCAGTAGGCAGTACACGTTCCAAACAGAAAGAGAATC[A>T]AGGATATCAGGGGGAAACACATACTCTGACAAGTTAAAATGACGGCATCTAATTCTGGTA-3'

ClinVar aggregate classification (germline): Likely pathogenic (1 of 4 stars; one submission).

Allele frequency attached by ClinVar (database versions not stated): TOPMed below 0.00001; gnomAD exomes 0.00001.

Submission:

GeneDx
Classification: Likely pathogenic. Last evaluated: 2023-08-26. Review status: criteria provided, single submitter. Criteria: GeneDx Variant Classification Process June 2021. Collection method: clinical testing. Allele origin: germline. Affected: yes.
Comment: Nonsense variant predicted to result in protein truncation or nonsense mediated decay in a gene for which loss-of-function is a known mechanism of disease; Not observed at significant frequency in large population cohorts (gnomAD); Has not been previously published as pathogenic or benign to our knowledge